The following is an entry in ClinVar:

ClinVar aggregate classification (germline): Likely pathogenic (1 of 4 stars; one submission).

Conditions:
Aortic aneurysm, familial thoracic 10 (AAT10). Identifiers: MedGen C4284414, MONDO:0014950, OMIM 617168.

Submission:

Laboratory of Medical Genetics, National & Kapodistrian University of Athens
Classification: Likely pathogenic for Aortic aneurysm, familial thoracic 10. Last evaluated: 2022-09-02. Review status: criteria provided, single submitter. Criteria: ACMG Guidelines, 2015. Collection method: clinical testing. Allele origin: germline. Affected: yes.
Comment: PVS1, PM2

NM_002317.7(LOX):c.1024_1025dup (p.Gln345fs)

Genes: LOX (lysyl oxidase; minus strand), SRFBP1 (serum response factor binding protein 1; plus strand). Cytogenetic location: 5q23.1.
Variant type: Duplication.
Coding change: c.1024_1025dup on transcript NM_002317.7 (MANE Select); coding-DNA positions 1024 to 1025, 2 bases duplicated (GC; older notation c.1024_1025dupGC).
Protein change: p.Gln345fs; shifts the reading frame from glutamine 345.
Molecular consequence: frameshift variant.
Genome position (GRCh38, 1-based): chr5:122,074,023-122,074,024, GC duplicated on the plus strand (GC on the coding strand, the reverse complement: LOX is on the minus strand). VCF-style (leftmost placement, unchanged base first): chr5-122074022-T-TGC. GRCh37 (hg19) VCF-style: chr5-121409717-T-TGC.
Other names: c.334_335dup, p.Gln115fs (NM_001178102.2); c.133_134dup, p.Gln48fs (NM_001317073.1); short protein forms Q115fs, Q345fs, Q48fs.
Identifiers: ClinVar variation 1708066 (VCV001708066.1), dbSNP rs2532908171, ClinGen allele CA2580072429.